The following is an entry in ClinVar:

ClinVar aggregate classification (germline): Likely pathogenic. Review status: criteria provided, single submitter (1 of 4 stars). 3 submissions from 3 submitters: Likely pathogenic (1). 2 of the submissions do not count toward it. Last evaluated 2025-11-18.

Conditions:
Hemochromatosis type 3 (HFE3). Also called: TFR2-Related Hemochromatosis; Hereditary hemochromatosis type 3; HEMOCHROMATOSIS DUE TO DEFECT IN TRANSFERRIN RECEPTOR 2. Identifiers: Orphanet 225123, MedGen C1858664, MONDO:0011417, OMIM 604250.

Allele frequency attached by ClinVar (database versions not stated): gnomAD exomes below 0.00001.
gnomAD v4.1: 6 of 1,549,668 alleles (0.00039%); highest among the groups gnomAD compares: South Asian, 0.0036%; no homozygotes.

Submissions (3):

Natera, Inc.
Classification: Likely pathogenic for Hereditary hemochromatosis type 3. Last evaluated: 2025-11-18. Review status: criteria provided, single submitter. Criteria: Natera Variant Classification Schema (03/2026). Collection method: clinical testing. Allele origin: germline.
Comment: The c.2069A>C variant in TFR2 is a missense variant predicted to cause substitution of glutamine to proline at amino acid 690. This variant is rare in the general population with a frequency below the threshold expected for the associated phenotype(s). This variant has been observed in one or more individuals affected with the associated recessive disease, as either homozygous or compound heterozygous with a second variant (PMID: 12130528). Additionally, this variant has been observed to segregate in affected family members (PMID: 12130528). Functional studies show that this variant may disrupt protein function (PMID: 18094142). Given the available evidence, this variant is classified as Likely Pathogenic.

OMIM
Classification: Pathogenic for HEMOCHROMATOSIS, TYPE 3. Last evaluated: 2002-08-01. Review status: no assertion criteria provided. Collection method: literature only. Allele origin: germline. Not counted in ClinVar's aggregate classification.

GeneReviews
No classification provided. Condition: Hemochromatosis type 3. Review status: no classification provided. Collection method: literature only. Allele origin: unknown. Not counted in ClinVar's aggregate classification.

Literature cited by the submitters: PubMed 12130528 (cited by 3 submitters); PubMed 18094142 (cited by Natera, Inc.); PubMed 20301523 (cited by GeneReviews); NCBI Bookshelf NBK1349 (cited by GeneReviews).

NM_003227.4(TFR2):c.2069A>C (p.Gln690Pro)

Genes: TFR2 (transferrin receptor 2; minus strand), LOC113687175 (Sharpr-MPRA regulatory region 4647; plus strand). Cytogenetic location: 7q22.1.
Variant type: single nucleotide variant.
Coding change: c.2069A>C on transcript NM_003227.4 (MANE Select); coding-DNA position 2069, A replaced by C.
Protein change: p.Gln690Pro; replaces glutamine 690 with proline.
Molecular consequence: missense variant.
Genome position (GRCh38, 1-based): chr7:100,626,830, T>G on the plus strand (A>C on the coding strand, the complement: TFR2 is on the minus strand). VCF-style: chr7-100626830-T-G. GRCh37 (hg19) VCF-style: chr7-100224453-T-G.
Other names: c.1556A>C, p.Gln519Pro (NM_001206855.3); short protein forms Q690P, Q519P.
Identifiers: ClinVar variation 5384 (VCV000005384.4), dbSNP rs80338889, ClinGen allele CA340411.